The following is an entry in ClinVar:

NM_000096.4(CP):c.2491C>T (p.Pro831Ser)

Gene: CP (ceruloplasmin; minus strand). Cytogenetic location: 3q24.
Variant type: single nucleotide variant.
Coding change: c.2491C>T on transcript NM_000096.4 (MANE Select); coding-DNA position 2491, C replaced by T.
Protein change: p.Pro831Ser; replaces proline 831 with serine.
Molecular consequence: missense variant. On other transcripts: non-coding transcript variant (1).
Genome position (GRCh38, 1-based): chr3:149,182,068, G>A on the plus strand (C>T on the coding strand, the complement: CP is on the minus strand). VCF-style: chr3-149182068-G-A. GRCh37 (hg19) VCF-style: chr3-148899855-G-A.
Other names: c.2491C>T (NM_000096.3); short protein forms P831S.
Identifiers: ClinVar variation 1489345 (VCV001489345.9), dbSNP rs779811076, ClinGen allele CA2660749.

ClinVar aggregate classification (germline): Uncertain significance. Review status: criteria provided, multiple submitters, no conflicts (2 of 4 stars). 2 submissions from 2 submitters: Uncertain significance (2). Last evaluated 2025-08-14.

Conditions:
Inborn genetic diseases. Identifiers: MedGen C0950123, MeSH D030342.
Deficiency of ferroxidase (ACEP). Also called: Aceruloplasminemia; Deficiency of ceruloplasmin; NEURODEGENERATION WITH BRAIN IRON ACCUMULATION 10; Ceruloplasmin deficiency; Familial apoceruloplasmin deficiency; Hereditary ceruloplasmin deficiency. Identifiers: Orphanet 48818, MedGen C0878682, MONDO:0011426, OMIM 604290, HP:0025498.

Allele frequency attached by ClinVar (database versions not stated): gnomAD 0.00001; ExAC 0.00002; gnomAD exomes 0.00002 and 0.00005.
gnomAD v4.1: 70 of 1,610,854 alleles (0.0043%); highest among the groups gnomAD compares: Non-Finnish European, 0.0058%; no homozygotes.

Submissions (2):

Ambry Genetics
Classification: Uncertain significance for Inborn genetic diseases. Last evaluated: 2025-08-14. Review status: criteria provided, single submitter. Criteria: Ambry Variant Classification Scheme 2023. Collection method: clinical testing. Allele origin: germline.

Labcorp Genetics (formerly Invitae), Labcorp
Classification: Uncertain significance for Deficiency of ferroxidase. Last evaluated: 2021-02-06. Review status: criteria provided, single submitter. Criteria: Invitae Variant Classification Sherloc (09022015). Collection method: clinical testing. Allele origin: germline.
Comment: This sequence change replaces proline with serine at codon 831 of the CP protein (p.Pro831Ser). The proline residue is highly conserved and there is a moderate physicochemical difference between proline and serine. This variant is present in population databases (rs779811076, ExAC 0.003%). This variant has not been reported in the literature in individuals with CP-related conditions. Advanced modeling of protein sequence and biophysical properties (such as structural, functional, and spatial information, amino acid conservation, physicochemical variation, residue mobility, and thermodynamic stability) performed at Invitae indicates that this missense variant is expected to disrupt CP protein function. In summary, the available evidence is currently insufficient to determine the role of this variant in disease. Therefore, it has been classified as a Variant of Uncertain Significance.